The following is an entry in ClinVar:

ClinVar aggregate classification (germline): Uncertain significance (1 of 4 stars; one submission).

Conditions:
Cowden syndrome (CS). Also called: Cowden's disease; Cowden's syndrome; Cowden disease. Identifiers: Orphanet 201, MedGen C0018553, MONDO:0016063. Disease mechanism: gain of function.

Allele frequency attached by ClinVar (database versions not stated): gnomAD exomes below 0.00001.
gnomAD v4.1: 2 of 1,613,948 alleles (0.00012%); highest among the groups gnomAD compares: East Asian, 0.0045%; no homozygotes.

Submission:

Labcorp Genetics (formerly Invitae), Labcorp
Classification: Uncertain significance for Cowden syndrome. Last evaluated: 2022-12-13. Review status: criteria provided, single submitter. Criteria: Invitae Variant Classification Sherloc (09022015). Collection method: clinical testing. Allele origin: germline.
Comment: In summary, the available evidence is currently insufficient to determine the role of this variant in disease. Therefore, it has been classified as a Variant of Uncertain Significance. Algorithms developed to predict the effect of missense changes on protein structure and function (SIFT, PolyPhen-2, Align-GVGD) all suggest that this variant is likely to be tolerated. This variant has not been reported in the literature in individuals affected with PIK3CA-related conditions. This variant is not present in population databases (gnomAD no frequency). This sequence change replaces methionine, which is neutral and non-polar, with valine, which is neutral and non-polar, at codon 318 of the PIK3CA protein (p.Met318Val).

NM_006218.4(PIK3CA):c.952A>G (p.Met318Val)

Gene: PIK3CA (phosphatidylinositol-4,5-bisphosphate 3-kinase catalytic subunit alpha; plus strand). Cytogenetic location: 3q26.32.
Variant type: single nucleotide variant.
Coding change: c.952A>G on transcript NM_006218.4 (MANE Select); coding-DNA position 952, A replaced by G.
Protein change: p.Met318Val; replaces methionine 318 with valine.
Molecular consequence: missense variant.
Genome position (GRCh38, 1-based): chr3:179,203,682, A>G. VCF-style: chr3-179203682-A-G. GRCh37 (hg19) VCF-style: chr3-178921470-A-G.
Other names: short protein forms M318V.
Identifiers: ClinVar variation 2031542 (VCV002031542.4), dbSNP rs2473899882, ClinGen allele CA355280658.